The following is an entry in ClinVar:

NM_000260.4(MYO7A):c.2998A>T (p.Lys1000Ter)

Gene: MYO7A (myosin VIIA; plus strand). Cytogenetic location: 11q13.5.
Variant type: single nucleotide variant.
Coding change: c.2998A>T on transcript NM_000260.4 (MANE Select); coding-DNA position 2998, A replaced by T.
Protein change: p.Lys1000Ter; replaces lysine 1000 with a stop codon.
Molecular consequence: nonsense.
Genome position (GRCh38, 1-based): chr11:77,182,044, A>T. VCF-style: chr11-77182044-A-T. GRCh37 (hg19) VCF-style: chr11-76893090-A-T.
Other names: c.2998A>T, p.Lys1000Ter (NM_001127180.2); c.2965A>T, p.Lys989Ter (NM_001369365.1); short protein forms K1000*, K989*.
Identifiers: ClinVar variation 1724562 (VCV001724562.2), dbSNP rs558458890, ClinGen allele CA381944022.
Genomic context (GRCh38, chr11:77,182,044, plus strand): 5'-GAGGACCTGGATGCAGCCCTGCCCCTGCCTGACGAGGATGAGGAGGACCTCTCTGAGTAT[A>T]AATTTGCCAAGTTCGCGGCCACCTACTTCCAGGGGACAACCACGCACTCCTACACCCGGC-3'

ClinVar aggregate classification (germline): Likely pathogenic (1 of 4 stars; one submission).

Conditions:
Usher syndrome type 1 (USH1). Also called: RETINITIS PIGMENTOSA AND CONGENITAL DEAFNESS. Identifiers: Orphanet 231169, Orphanet 886, MedGen C1568247, MONDO:0010168, OMIM 276900.

Submission:

Myriad Genetics, Inc.
Classification: Likely pathogenic for Usher syndrome type 1. Last evaluated: 2022-02-19. Review status: criteria provided, single submitter. Criteria: Myriad Women's Health Autosomal Recessive and X-Linked Classification Criteria (2021). Collection method: clinical testing. Allele origin: unknown.
Comment: NM_000260.3(MYO7A):c.2998A>T(K1000*) is expected to be pathogenic in the context of MYO7A-related disorders. This variant is predicted to lead to an abnormal or absent protein product due to the creation of a premature termination codon in MYO7A, a gene where loss-of-function variants are known to be pathogenic. Please note: this variant was assessed in the context of healthy population screening.